The following is an entry in ClinVar:

ClinVar aggregate classification (germline): Uncertain significance (1 of 4 stars; one submission).

Conditions:
Catecholaminergic polymorphic ventricular tachycardia (CVPT). Also called: Catecholamine-induced polymorphic ventricular tachycardia. Identifiers: Orphanet 3286, MedGen C5574922, MONDO:0017990.

Submission:

All of Us Research Program, National Institutes of Health
Classification: Uncertain significance for Catecholaminergic polymorphic ventricular tachycardia. Last evaluated: 2023-12-13. Review status: criteria provided, single submitter. Criteria: ACMG Guidelines, 2015. Collection method: clinical testing. Allele origin: germline. Inheritance: Autosomal dominant inheritance. Observed: 2 variant alleles, 2 heterozygotes.
Comment: This variant changes 1 nucleotide in exon 61 of the RYR2 gene, creating a premature translation stop signal. This variant is expected to result in an absent or non-functional protein product. To our knowledge, this variant has not been reported in individuals affected with RYR2-related disorders in the literature. This variant has not been identified in the general population by the Genome Aggregation Database (gnomAD). Clinical relevance of loss-of-function RYR2 truncation variants in autosomal dominant cardiovascular disorders is not clearly established. The available evidence is insufficient to determine the role of this variant in disease conclusively. Therefore, this variant is classified as a Variant of Uncertain Significance.

This study involves interpretation of variants in research participants for the purpose of population health screening. Participant phenotype was not available at the time of variant classification. Additional details can be found in publication PMID: 35346344, PMCID: PMC8962531

NM_001035.3(RYR2):c.8872C>T (p.Gln2958Ter)

Gene: RYR2 (ryanodine receptor 2; plus strand). Cytogenetic location: 1q43.
Variant type: single nucleotide variant.
Coding change: c.8872C>T on transcript NM_001035.3 (MANE Select); coding-DNA position 8872, C replaced by T.
Protein change: p.Gln2958Ter; replaces glutamine 2958 with a stop codon.
Molecular consequence: nonsense.
Genome position (GRCh38, 1-based): chr1:237,678,089, C>T. VCF-style: chr1-237678089-C-T. GRCh37 (hg19) VCF-style: chr1-237841389-C-T.
Other names: short protein forms Q2958*.
Identifiers: ClinVar variation 3069349 (VCV003069349.1), dbSNP rs1444337902, ClinGen allele CA345403669.